The following is an entry in ClinVar:

ClinVar aggregate classification (germline): Benign. Review status: criteria provided, multiple submitters, no conflicts (2 of 4 stars). 7 submissions from 7 submitters: Benign (6). 1 of the submissions does not count toward it. Last evaluated 2024-11-28.

Conditions:
Hydatidiform mole. Also called: Hydatidiform Moles; Hydatidiform mole, recurrent; hydatid mole. Identifiers: Orphanet 99927, MedGen C0020217, MONDO:0006248, HP:0032192.
Hydatidiform mole, recurrent, 1 (HYDM1). Identifiers: Orphanet 254688, Orphanet 99927, MedGen C3463897, MONDO:0009273, OMIM 231090. Disease mechanism: loss of function.

Allele frequency attached by ClinVar (database versions not stated): ESP Exome Variant Server 0.54413; gnomAD 0.54828 and 0.55587; TOPMed 0.55345; ExAC 0.58154; 1000 Genomes Project 30x 0.58542; gnomAD exomes 0.58785; 1000 Genomes Project 0.59046.
gnomAD v4.1: 902,860 of 1,610,306 alleles (56%); highest among the groups gnomAD compares: East Asian, 72%; 255,126 homozygotes.

Submissions (7):

Blueprint Genetics
Classification: Benign. Last evaluated: 2024-11-28. Review status: criteria provided, single submitter. Criteria: ACMG Guidelines, 2015. Collection method: clinical testing. Allele origin: germline.

National Health Laboratory Service, Universitas Academic Hospital and University of the Free State
Classification: Benign for Hydatidiform mole. Last evaluated: 2021-02-22. Review status: criteria provided, single submitter. Criteria: ACMG Guidelines, 2015. Collection method: research. Allele origin: germline. Affected: yes. Observed: 3 variant alleles.

Illumina Laboratory Services, Illumina
Classification: Benign for Hydatidiform mole, recurrent, 1. Last evaluated: 2018-01-12. Review status: criteria provided, single submitter. Criteria: ICSL Variant Classification Criteria 13 December 2019. Collection method: clinical testing. Allele origin: germline.
Comment: This variant was observed in the ICSL laboratory as part of a predisposition screen in an ostensibly healthy population. It had not been previously curated by ICSL or reported in the Human Gene Mutation Database (HGMD: prior to June 1st, 2018), and was therefore a candidate for classification through an automated scoring system. Utilizing variant allele frequency, disease prevalence and penetrance estimates, and inheritance mode, an automated score was calculated to assess if this variant is too frequent to cause the disease. Based on the score and internal cut-off values, a variant classified as benign is not then subjected to further curation. The score for this variant resulted in a classification of benign for this disease.

Laboratory for Molecular Medicine, Mass General Brigham Personalized Medicine
Classification: Benign. Last evaluated: 2016-03-28. Review status: criteria provided, single submitter. Criteria: LMM Criteria. Collection method: clinical testing. Allele origin: germline.
Comment: Variant identified in a genome or exome case(s) and assessed due to predicted null impact of the variant or pathogenic assertions in the literature or databases. Disclaimer: This variant has not undergone full assessment. The following are preliminary notes: Frequency

Genome Diagnostics Laboratory, University Medical Center Utrecht
Classification: Benign for Hydatidiform mole, recurrent, 1. Last evaluated: 2014-10-10. Review status: criteria provided, single submitter. Criteria: ACGS Guidelines, 2013. Collection method: clinical testing. Allele origin: germline. Affected: yes. Study: VKGL Data-share Consensus.

Breakthrough Genomics
Classification: Benign. Review status: criteria provided, single submitter. Criteria: ACMG Guidelines, 2015. Collection method: not provided. Allele origin: germline. Inheritance: Autosomal recessive inheritance. Affected: yes.

Diagnostic Laboratory, Department of Genetics, University Medical Center Groningen
Classification: Benign for Hydatidiform mole, recurrent, 1. Review status: no assertion criteria provided. Collection method: clinical testing. Allele origin: germline. Affected: yes. Study: VKGL Data-share Consensus. Not counted in ClinVar's aggregate classification.

NM_001127255.2(NLRP7):c.2682T>C (p.Tyr894=)

Genes: NCR1 (natural cytotoxicity triggering receptor 1), NLRP7 (NLR family pyrin domain containing 7; minus strand). Cytogenetic location: 19q13.42.
Variant type: single nucleotide variant.
Coding change: c.2682T>C on transcript NM_001127255.2 (MANE Select); coding-DNA position 2682, T replaced by C.
Protein change: p.Tyr894=; no amino-acid change (tyrosine 894 retained).
Molecular consequence: synonymous variant.
Genome position (GRCh38, 1-based): chr19:54,930,627, A>G on the plus strand (T>C on the coding strand, the complement: NLRP7 is on the minus strand). VCF-style: chr19-54930627-A-G. GRCh37 (hg19) VCF-style: chr19-55441995-A-G.
Other names: c.2682T>C, p.Tyr894= (NM_001405531.1, NM_206828.4); c.2598T>C, p.Tyr866= (NM_139176.4).
Identifiers: ClinVar variation 330158 (VCV000330158.14), dbSNP rs269951, ClinGen allele CA310008225.
Genomic context (GRCh38, chr19:54,930,627, plus strand): 5'-CTGGTTGATACTCAAGTCCAGGTTTGTGAGGCTGCAGGCTTCTTGGAGCGCCTCTGAGAG[A>G]TATCTACAGCCAAGCTTGGTTATGCTGCATTGCTGTAACCTACAGGATAATCAAAGGAAG-3'
Protein context (NP_001120727.1, residues 884-904): QCSITKLGCR[Tyr894=]LSEALQEACS